The following is an entry in ClinVar:

NM_024753.5(TTC21B):c.902G>A (p.Arg301His)

Gene: TTC21B (tetratricopeptide repeat domain 21B; minus strand). Cytogenetic location: 2q24.3.
Variant type: single nucleotide variant.
Coding change: c.902G>A on transcript NM_024753.5 (MANE Select); coding-DNA position 902, G replaced by A.
Protein change: p.Arg301His; replaces arginine 301 with histidine.
Molecular consequence: missense variant.
Genome position (GRCh38, 1-based): chr2:165,930,357, C>T on the plus strand (G>A on the coding strand, the complement: TTC21B is on the minus strand). VCF-style: chr2-165930357-C-T. GRCh37 (hg19) VCF-style: chr2-166786867-C-T.
Other names: c.902G>A (NM_024753.3, NM_024753.4); short protein forms R301H.
Identifiers: ClinVar variation 1982217 (VCV001982217.5), dbSNP rs747866883, ClinGen allele CA1942286.
Genomic context (GRCh38, chr2:165,930,357, plus strand): 5'-GGGTTTAAACTAAAAGCTCTCTCAAGTAACGTTTGAATTTTTTGAAGAATAAGTTGACTA[C>T]GTCCACACTAAAAAGAAAAAAAAATGATGTAAGATTTCAAAGTCTAACATTTCTACTGAG-3'
Protein context (NP_079029.3, residues 291-311): ITLAFSRTCG[Arg301His]SQLILQKIQT

ClinVar aggregate classification (germline): Uncertain significance. Review status: criteria provided, multiple submitters, no conflicts (2 of 4 stars). 4 submissions from 4 submitters: Uncertain significance (3). 1 of the submissions does not count toward it. Last evaluated 2023-07-24.

Conditions:
TTC21B-related disorder. Also called: TTC21B-related disorders; TTC21B-related condition.
Jeune thoracic dystrophy. Also called: Jeune syndrome; Infantile thoracic dystrophy; Thoracic pelvic phalangeal dystrophy; Jeune's syndrome; Chondroectodermal dysplasia-like syndrome; Short-rib thoracic dysplasia. Identifiers: Orphanet 474, MedGen C0265275, MONDO:0018770.
Nephronophthisis. Also called: Juvenile Nephronophthisis. Identifiers: Orphanet 655, MedGen C0687120, MONDO:0019005, HP:0000090.
Inborn genetic diseases. Identifiers: MedGen C0950123, MeSH D030342.

Allele frequency attached by ClinVar (database versions not stated): gnomAD 0.00002; TOPMed 0.00002; ExAC 0.00003; gnomAD exomes 0.00003.
gnomAD v4.1: 41 of 1,607,466 alleles (0.0026%); highest among the groups gnomAD compares: South Asian, 0.0067%; no homozygotes.

Submissions (4):

GeneDx
Classification: Uncertain significance. Last evaluated: 2023-07-24. Review status: criteria provided, single submitter. Criteria: GeneDx Variant Classification Process June 2021. Collection method: clinical testing. Allele origin: germline. Affected: yes.
Comment: Not observed at a significant frequency in large population cohorts (gnomAD); In silico analysis supports that this missense variant has a deleterious effect on protein structure/function; Has not been previously published as pathogenic or benign to our knowledge

Ambry Genetics
Classification: Uncertain significance for Inborn genetic diseases. Last evaluated: 2023-03-28. Review status: criteria provided, single submitter. Criteria: Ambry Variant Classification Scheme 2023. Collection method: clinical testing. Allele origin: germline.

Labcorp Genetics (formerly Invitae), Labcorp
Classification: Uncertain significance for Jeune thoracic dystrophy; Nephronophthisis. Last evaluated: 2022-08-16. Review status: criteria provided, single submitter. Criteria: Invitae Variant Classification Sherloc (09022015). Collection method: clinical testing. Allele origin: germline.
Comment: This sequence change replaces arginine, which is basic and polar, with histidine, which is basic and polar, at codon 301 of the TTC21B protein (p.Arg301His). This variant is present in population databases (rs747866883, gnomAD 0.004%). This variant has not been reported in the literature in individuals affected with TTC21B-related conditions. Algorithms developed to predict the effect of missense changes on protein structure and function are either unavailable or do not agree on the potential impact of this missense change (SIFT: "Deleterious"; PolyPhen-2: "Probably Damaging"; Align-GVGD: "Class C0"). In summary, the available evidence is currently insufficient to determine the role of this variant in disease. Therefore, it has been classified as a Variant of Uncertain Significance.

PreventionGenetics, part of Exact Sciences
Classification: Uncertain significance for TTC21B-related condition. Last evaluated: 2024-08-14. Review status: no assertion criteria provided. Collection method: clinical testing. Allele origin: germline. Not counted in ClinVar's aggregate classification.
Comment: The TTC21B c.902G>A variant is predicted to result in the amino acid substitution p.Arg301His. To our knowledge, this variant has not been reported in the literature. This variant is reported in 0.0036% of alleles in individuals of European (Non-Finnish) descent in gnomAD. At this time, the clinical significance of this variant is uncertain due to the absence of conclusive functional and genetic evidence.